The following is an entry in ClinVar:

ClinVar aggregate classification (germline): Uncertain significance. Review status: criteria provided, multiple submitters, no conflicts (2 of 4 stars). 3 submissions from 3 submitters: Uncertain significance (3). Last evaluated 2023-08-07.

Conditions:
Hereditary cancer-predisposing syndrome. Also called: Neoplastic Syndromes, Hereditary; Hereditary Cancer Syndrome; Hereditary neoplastic syndrome; Tumor predisposition. Identifiers: Orphanet 140162, MedGen C0027672, MeSH D009386, MONDO:0015356.
Familial cancer of breast. Also called: BREAST CANCER, FAMILIAL; Hereditary breast cancer; hereditary breast carcinoma. Identifiers: Orphanet 227535, MedGen C0346153, MONDO:0016419, OMIM 114480. Disease mechanism: loss of function.

Submissions (3):

Labcorp Genetics (formerly Invitae), Labcorp
Classification: Uncertain significance for Familial cancer of breast. Last evaluated: 2023-08-07. Review status: criteria provided, single submitter. Criteria: Invitae Variant Classification Sherloc (09022015). Collection method: clinical testing. Allele origin: germline.
Comment: This variant is not present in population databases (gnomAD no frequency). In summary, the available evidence is currently insufficient to determine the role of this variant in disease. Therefore, it has been classified as a Variant of Uncertain Significance. An algorithm developed to predict the effect of missense changes on protein structure and function (PolyPhen-2) suggests that this variant is likely to be tolerated. ClinVar contains an entry for this variant (Variation ID: 460866). This variant has not been reported in the literature in individuals affected with CHEK2-related conditions. This sequence change replaces glycine, which is neutral and non-polar, with glutamic acid, which is acidic and polar, at codon 315 of the CHEK2 protein (p.Gly315Glu).

Ambry Genetics
Classification: Uncertain significance for Hereditary cancer-predisposing syndrome. Last evaluated: 2023-05-25. Review status: criteria provided, single submitter. Criteria: Ambry Variant Classification Scheme 2023. Collection method: clinical testing. Allele origin: germline.
Comment: The p.G315E variant (also known as c.944G>A), located in coding exon 8 of the CHEK2 gene, results from a G to A substitution at nucleotide position 944. The glycine at codon 315 is replaced by glutamic acid, an amino acid with similar properties. This alteration was identified in 1/136 Turkish colorectal cancer patients undergoing multigene panel testing for hereditary cancer risk (Erdem HB et al. Turk J Med Sci, 2020 Jun;50:1015-1021). This amino acid position is not well conserved in available vertebrate species. In addition, this alteration is predicted to be tolerated by in silico analysis. Since supporting evidence is limited at this time, the clinical significance of this alteration remains unclear.

Color Diagnostics, LLC DBA Color Health
Classification: Uncertain significance for Hereditary cancer-predisposing syndrome. Last evaluated: 2018-11-19. Review status: criteria provided, single submitter. Criteria: ACMG Guidelines, 2015. Collection method: clinical testing. Allele origin: germline.

Literature cited by the submitters: PubMed 32283892 (cited by Ambry Genetics).

NM_007194.4(CHEK2):c.944G>A (p.Gly315Glu)

Gene: CHEK2 (checkpoint kinase 2; minus strand). Cytogenetic location: 22q12.1.
Variant type: single nucleotide variant.
Coding change: c.944G>A on transcript NM_007194.4 (MANE Select); coding-DNA position 944, G replaced by A.
Protein change: p.Gly315Glu; replaces glycine 315 with glutamic acid.
Molecular consequence: missense variant.
Genome position (GRCh38, 1-based): chr22:28,699,902, C>T on the plus strand (G>A on the coding strand, the complement: CHEK2 is on the minus strand). VCF-style: chr22-28699902-C-T. GRCh37 (hg19) VCF-style: chr22-29095890-C-T.
Other names: c.281G>A, p.Gly94Glu (NM_001257387.3); c.743G>A, p.Gly248Glu (NM_001349956.3); c.1073G>A, p.Gly358Glu (NM_001005735.3); c.944G>A, p.Gly315Glu (NM_145862.3); short protein forms G315E, G248E, G94E, G358E.
Identifiers: ClinVar variation 460866 (VCV000460866.14), dbSNP rs1555915471, ClinGen allele CA411099949.